The following is an entry in ClinVar:

NM_004444.5(EPHB4):c.460G>A (p.Glu154Lys)

Gene: EPHB4 (EPH receptor B4; minus strand). Cytogenetic location: 7q22.1.
Variant type: single nucleotide variant.
Coding change: c.460G>A on transcript NM_004444.5 (MANE Select); coding-DNA position 460, G replaced by A.
Protein change: p.Glu154Lys; replaces glutamic acid 154 with lysine.
Molecular consequence: missense variant.
Genome position (GRCh38, 1-based): chr7:100,822,619, C>T on the plus strand (G>A on the coding strand, the complement: EPHB4 is on the minus strand). VCF-style: chr7-100822619-C-T. GRCh37 (hg19) VCF-style: chr7-100420241-C-T.
Other names: short protein forms E154K.
Identifiers: ClinVar variation 3845461 (VCV003845461.1).
Genomic context (GRCh38, chr7:100,822,619, plus strand): 5'-AGCCAGCCTTGCTGAGCGGTCCCAGACGCAGCGTCTTGACATTCACCTTCCCGGTGGCCT[C>T]GGCCCCAGGGCGCTTCCGGGTGAGATGCTCCGCGGCCACCGTGTCCACCTGCCGGCGGGG-3'
Protein context (NP_004435.3, residues 144-164): EHLTRKRPGA[Glu154Lys]ATGKVNVKTL

ClinVar aggregate classification (germline): Uncertain significance (1 of 4 stars; one submission).

Conditions:
Cardiovascular phenotype. Identifiers: MedGen CN230736.

Submission:

Ambry Genetics
Classification: Uncertain significance for Cardiovascular phenotype. Last evaluated: 2024-12-17. Review status: criteria provided, single submitter. Criteria: Ambry Variant Classification Scheme 2023. Collection method: clinical testing. Allele origin: germline.
Comment: The p.E154K variant (also known as c.460G>A), located in coding exon 4 of the EPHB4 gene, results from a G to A substitution at nucleotide position 460. The glutamic acid at codon 154 is replaced by lysine, an amino acid with similar properties. This amino acid position is conserved. In addition, this alteration is predicted to be tolerated by in silico analysis. Based on the available evidence, the clinical significance of this variant remains unclear.